The following is an entry in ClinVar:

NM_016592.5(GNAS):c.364G>A (p.Glu122Lys)

Genes: GNAS (GNAS complex locus; plus strand), GNAS-AS1 (GNAS antisense RNA 1; minus strand). Cytogenetic location: 20q13.32.
Variant type: single nucleotide variant.
Coding change: c.364G>A on transcript NM_016592.5 (MANE Plus Clinical); coding-DNA position 364, G replaced by A.
Protein change: p.Glu122Lys; replaces glutamic acid 122 with lysine.
Molecular consequence: missense variant. On other transcripts: 5 prime UTR variant (1).
Genome position (GRCh38, 1-based): chr20:58,840,470, G>A. VCF-style: chr20-58840470-G-A. GRCh37 (hg19) VCF-style: chr20-57415525-G-A.
Other names: c.-374G>A (NM_001410912.1); short protein forms E122K.
Identifiers: ClinVar variation 2652435 (VCV002652435.22), dbSNP rs199534645, ClinGen allele CA9926311.

ClinVar aggregate classification (germline): Likely benign (1 of 4 stars; one submission).

Allele frequency attached by ClinVar (database versions not stated): TOPMed 0.00001; gnomAD exomes 0.00002; ESP Exome Variant Server 0.00008; gnomAD 0.00004; ExAC 0.00007.
gnomAD v4.1: 44 of 1,613,466 alleles (0.0027%); highest among the groups gnomAD compares: Non-Finnish European, 0.0013%; no homozygotes.

Submission:

CeGaT Center for Human Genetics Tuebingen
Classification: Likely benign. Last evaluated: 2023-02-01. Review status: criteria provided, single submitter. Criteria: CeGaT Center For Human Genetics Tuebingen Variant Classification Criteria Version 2. Collection method: clinical testing. Allele origin: germline. Affected: yes. Observed: 1 variant allele.
Comment: GNAS: BP4